The following is an entry in ClinVar:

NM_024529.5(CDC73):c.79T>C (p.Phe27Leu)

Gene: CDC73 (cell division cycle 73; plus strand). Cytogenetic location: 1q31.2.
Variant type: single nucleotide variant.
Coding change: c.79T>C on transcript NM_024529.5 (MANE Select); coding-DNA position 79, T replaced by C.
Protein change: p.Phe27Leu; replaces phenylalanine 27 with leucine.
Molecular consequence: missense variant.
Genome position (GRCh38, 1-based): chr1:193,122,279, T>C. VCF-style: chr1-193122279-T-C. GRCh37 (hg19) VCF-style: chr1-193091409-T-C.
Other names: short protein forms F27L.
Identifiers: ClinVar variation 2166998 (VCV002166998.6), dbSNP rs2527281320, ClinGen allele CA343972897.

ClinVar aggregate classification (germline): Uncertain significance. Review status: criteria provided, multiple submitters, no conflicts (2 of 4 stars). 3 submissions from 3 submitters: Uncertain significance (3). Last evaluated 2024-08-27.

Conditions:
Hereditary cancer-predisposing syndrome. Also called: Hereditary neoplastic syndrome; Neoplastic Syndromes, Hereditary; Hereditary Cancer Syndrome; Tumor predisposition. Identifiers: Orphanet 140162, MedGen C0027672, MeSH D009386, MONDO:0015356.
Parathyroid carcinoma (PRTC). Also called: Parathyroid gland carcinoma; CDC73-Related Parathyroid Carcinoma. Identifiers: Orphanet 143, MedGen C0687150, MONDO:0012004, OMIM 608266, HP:0006780.

Allele frequency attached by ClinVar (database versions not stated): gnomAD exomes 0.00001.
gnomAD v4.1: 12 of 1,614,144 alleles (0.00074%); highest among the groups gnomAD compares: Non-Finnish European, 0.001%; no homozygotes.

Submissions (3):

Ambry Genetics
Classification: Uncertain significance for Hereditary cancer-predisposing syndrome. Last evaluated: 2024-08-27. Review status: criteria provided, single submitter. Criteria: Ambry Variant Classification Scheme 2023. Collection method: clinical testing. Allele origin: germline.
Comment: The p.F27L variant (also known as c.79T>C), located in coding exon 1 of the CDC73 gene, results from a T to C substitution at nucleotide position 79. The phenylalanine at codon 27 is replaced by leucine, an amino acid with highly similar properties. This amino acid position is conserved. In addition, this alteration is predicted to be deleterious by in silico analysis. Based on the available evidence, the clinical significance of this variant remains unclear.

GeneDx
Classification: Uncertain significance. Last evaluated: 2023-10-24. Review status: criteria provided, single submitter. Criteria: GeneDx Variant Classification Process June 2021. Collection method: clinical testing. Allele origin: germline. Affected: yes.
Comment: Not observed at significant frequency in large population cohorts (gnomAD); In silico analysis supports that this missense variant has a deleterious effect on protein structure/function; Has not been previously published as pathogenic or benign to our knowledge

Labcorp Genetics (formerly Invitae), Labcorp
Classification: Uncertain significance for Parathyroid carcinoma. Last evaluated: 2021-12-31. Review status: criteria provided, single submitter. Criteria: Invitae Variant Classification Sherloc (09022015). Collection method: clinical testing. Allele origin: germline.
Comment: In summary, the available evidence is currently insufficient to determine the role of this variant in disease. Therefore, it has been classified as a Variant of Uncertain Significance. Algorithms developed to predict the effect of missense changes on protein structure and function are either unavailable or do not agree on the potential impact of this missense change (SIFT: "Tolerated"; PolyPhen-2: "Probably Damaging"; Align-GVGD: "Class C0"). This variant has not been reported in the literature in individuals affected with CDC73-related conditions. This variant is not present in population databases (gnomAD no frequency). This sequence change replaces phenylalanine, which is neutral and non-polar, with leucine, which is neutral and non-polar, at codon 27 of the CDC73 protein (p.Phe27Leu).